The following is an entry in ClinVar:

ClinVar aggregate classification (germline): Uncertain significance (1 of 4 stars; one submission).

Conditions:
Juvenile polyposis syndrome (JPS). Identifiers: Orphanet 2929, MedGen C0345893, MONDO:0017380, OMIM 174900.

Submission:

Labcorp Genetics (formerly Invitae), Labcorp
Classification: Uncertain significance for Juvenile polyposis syndrome. Last evaluated: 2024-01-01. Review status: criteria provided, single submitter. Criteria: Invitae Variant Classification Sherloc (09022015). Collection method: clinical testing. Allele origin: germline.
Comment: This sequence change replaces histidine, which is basic and polar, with arginine, which is basic and polar, at codon 528 of the SMAD4 protein (p.His528Arg). This variant is not present in population databases (gnomAD no frequency). This variant has not been reported in the literature in individuals affected with SMAD4-related conditions. Advanced modeling of protein sequence and biophysical properties (such as structural, functional, and spatial information, amino acid conservation, physicochemical variation, residue mobility, and thermodynamic stability) has been performed at Invitae for this missense variant, however the output from this modeling did not meet the statistical confidence thresholds required to predict the impact of this variant on SMAD4 protein function. In summary, the available evidence is currently insufficient to determine the role of this variant in disease. Therefore, it has been classified as a Variant of Uncertain Significance.

NM_005359.6(SMAD4):c.1583A>G (p.His528Arg)

Gene: SMAD4 (SMAD family member 4; plus strand). Cytogenetic location: 18q21.2.
Variant type: single nucleotide variant.
Coding change: c.1583A>G on transcript NM_005359.6 (MANE Select); coding-DNA position 1583, A replaced by G.
Protein change: p.His528Arg; replaces histidine 528 with arginine.
Molecular consequence: missense variant. On other transcripts: non-coding transcript variant (1).
Genome position (GRCh38, 1-based): chr18:51,078,391, A>G. VCF-style: chr18-51078391-A-G. GRCh37 (hg19) VCF-style: chr18-48604761-A-G.
Other names: c.1583A>G, p.His528Arg (NM_001407041.1, NM_001407042.1); short protein forms H528R.
Identifiers: ClinVar variation 2856526 (VCV002856526.3), dbSNP rs2144479189, ClinGen allele CA402466088.